The following is an entry in ClinVar:

ClinVar aggregate classification (germline): Uncertain significance (1 of 4 stars; one submission).

Conditions:
Developmental and epileptic encephalopathy 94 (DEE94). Also called: CHD2-Related Neurodevelopmental Disorders; Epileptic encephalopathy, childhood-onset. Identifiers: Orphanet 1942, Orphanet 2382, MedGen C3809278, MONDO:0014150, OMIM 615369.

Submission:

Labcorp Genetics (formerly Invitae), Labcorp
Classification: Uncertain significance for Developmental and epileptic encephalopathy 94. Last evaluated: 2022-11-24. Review status: criteria provided, single submitter. Criteria: Invitae Variant Classification Sherloc (09022015). Collection method: clinical testing. Allele origin: germline.
Comment: This sequence change replaces lysine, which is basic and polar, with asparagine, which is neutral and polar, at codon 1481 of the CHD2 protein (p.Lys1481Asn). This variant is not present in population databases (gnomAD no frequency). This variant has not been reported in the literature in individuals affected with CHD2-related conditions. Advanced modeling of protein sequence and biophysical properties (such as structural, functional, and spatial information, amino acid conservation, physicochemical variation, residue mobility, and thermodynamic stability) performed at Invitae indicates that this missense variant is not expected to disrupt CHD2 protein function. In summary, the available evidence is currently insufficient to determine the role of this variant in disease. Therefore, it has been classified as a Variant of Uncertain Significance.

NM_001271.4(CHD2):c.4443G>C (p.Lys1481Asn)

Gene: CHD2 (chromodomain helicase DNA binding protein 2; plus strand). Cytogenetic location: 15q26.1.
Variant type: single nucleotide variant.
Coding change: c.4443G>C on transcript NM_001271.4 (MANE Select); coding-DNA position 4443, G replaced by C.
Protein change: p.Lys1481Asn; replaces lysine 1481 with asparagine.
Molecular consequence: missense variant.
Genome position (GRCh38, 1-based): chr15:93,009,174, G>C. VCF-style: chr15-93009174-G-C. GRCh37 (hg19) VCF-style: chr15-93552404-G-C.
Other names: short protein forms K1481N.
Identifiers: ClinVar variation 2816168 (VCV002816168.3), dbSNP rs2505617372, ClinGen allele CA393904278.
Genomic context (GRCh38, chr15:93,009,174, plus strand): 5'-TTTATGTCTTTACTCTGTTGTCCTGTTGCAGTGTAAGGAGAGGATGAGGCCCGTGAAAAA[G>C]GCACTGAAACAGCTCGACAAACCTGACAAGGGGCTCAACGTGCAAGAACAGCTGGAACAC-3'
Protein context (NP_001262.3, residues 1471-1491): ICKERMRPVK[Lys1481Asn]ALKQLDKPDK